The following is an entry in ClinVar:

NM_000128.4(F11):c.1850G>A (p.Trp617Ter)

Genes: F11 (coagulation factor XI; plus strand), F11-AS1 (F11 antisense RNA 1; minus strand). Cytogenetic location: 4q35.2.
Variant type: single nucleotide variant.
Coding change: c.1850G>A on transcript NM_000128.4 (MANE Select); coding-DNA position 1850, G replaced by A.
Protein change: p.Trp617Ter; replaces tryptophan 617 with a stop codon.
Molecular consequence: nonsense. On other transcripts: non-coding transcript variant (1).
Genome position (GRCh38, 1-based): chr4:186,288,586, G>A. VCF-style: chr4-186288586-G-A. GRCh37 (hg19) VCF-style: chr4-187209740-G-A.
Other names: c.1802G>A, p.Trp601Ter (NM_001440590.1); c.1754G>A, p.Trp585Ter (NM_001440593.1); c.1706G>A, p.Trp569Ter (NM_001440596.1); c.1580G>A, p.Trp527Ter (NM_001440605.1); c.1532G>A, p.Trp511Ter (NM_001440606.1); c.1484G>A, p.Trp495Ter (NM_001440607.1); c.1436G>A, p.Trp479Ter (NM_001440608.1); short protein forms W495*, W527*, W569*, W601*, W479*, W511*, W585*, W617*.
Identifiers: ClinVar variation 5003230 (VCV005003230.1).

ClinVar aggregate classification (germline): Uncertain significance (1 of 4 stars; one submission).

Conditions:
Hereditary factor XI deficiency disease. Also called: PLASMA THROMBOPLASTIN ANTECEDENT DEFICIENCY; PTA DEFICIENCY; ROSENTHAL SYNDROME; Congenital factor XI deficiency. Identifiers: Orphanet 329, MedGen C0015523, MeSH D005173, MONDO:0012897, OMIM 612416.

gnomAD v4.1: 3 of 1,614,150 alleles (0.00019%); highest among the groups gnomAD compares: Non-Finnish European, 0.000085%; no homozygotes.

Submission:

Myriad Genetics, Inc.
Classification: Uncertain significance for Hereditary factor XI deficiency disease. Last evaluated: 2026-03-13. Review status: criteria provided, single submitter. Criteria: Myriad Autosomal Dominant, Autosomal Recessive and X-Linked Classification Criteria (2023). Collection method: clinical testing. Allele origin: unknown.
Comment: NM_000128.3(F11):c.1850G>A(W617*) is a nonsense variant classified as a variant of uncertain significance in the context of factor XI deficiency. W617* has not been observed in cases with relevant disease. Relevant functional assessments of this variant are not available in the literature. W617* has not been observed in referenced population frequency databases. In summary, there is insufficient evidence to classify NM_000128.3(F11):c.1850G>A(W617*) as pathogenic or benign. Please note: this variant was assessed in the context of healthy population screening.